The following is an entry in ClinVar:

NM_000235.4(LIPA):c.1002T>C (p.Leu334=)

Gene: LIPA (lipase A, lysosomal acid type; minus strand). Cytogenetic location: 10q23.31.
Variant type: single nucleotide variant.
Coding change: c.1002T>C on transcript NM_000235.4 (MANE Select); coding-DNA position 1002, T replaced by C.
Protein change: p.Leu334=; no amino-acid change (leucine 334 retained).
Molecular consequence: synonymous variant.
Genome position (GRCh38, 1-based): chr10:89,215,026, A>G on the plus strand (T>C on the coding strand, the complement: LIPA is on the minus strand). VCF-style: chr10-89215026-A-G. GRCh37 (hg19) VCF-style: chr10-90974783-A-G.
Other names: c.1002T>C, p.Leu334= (NM_001127605.3); c.654T>C, p.Leu218= (NM_001288979.2).
Identifiers: ClinVar variation 1129890 (VCV001129890.10), dbSNP rs1842606079, ClinGen allele CA470975166.

ClinVar aggregate classification (germline): Likely benign. Review status: criteria provided, multiple submitters, no conflicts (2 of 4 stars). 2 submissions from 2 submitters: Likely benign (2). Last evaluated 2024-02-22.

Conditions:
Wolman disease (WOLD). Also called: LYSOSOMAL ACID LIPASE DEFICIENCY, ACUTE INFANTILE; LYSOSOMAL ACID LIPASE DEFICIENCY, COMPLETE; LIPA DEFICIENCY, COMPLETE; LAL DEFICIENCY, COMPLETE; CHOLESTEROL ESTER HYDROLASE DEFICIENCY, COMPLETE; Infantile-Onset LAL-D (Wolman Disease). Identifiers: Orphanet 75233, MedGen C0043208, MONDO:0019148, OMIM 620151.
Lysosomal acid lipase deficiency. Also called: Acid cholesteryl ester hydrolase deficiency, type 2. Identifiers: Orphanet 275761, MedGen C5574740, MONDO:0800449, MONDO:0010204.

Submissions (2):

GENinCode PLC
Classification: Likely benign for Lysosomal acid lipase deficiency. Last evaluated: 2024-02-22. Review status: criteria provided, single submitter. Criteria: ACMG Guidelines, 2015. Collection method: clinical testing. Allele origin: germline.
Comment: This is a synonymous (silent) variant that is not predicted by SpliceAI to impact splicing. In addition, it occurs at a nucleotide that is not conserved. Therefore this variant has been classified as Likely Benign (BP4, BP7).

Labcorp Genetics (formerly Invitae), Labcorp
Classification: Likely benign for Wolman disease. Last evaluated: 2023-10-30. Review status: criteria provided, single submitter. Criteria: Invitae Variant Classification Sherloc (09022015). Collection method: clinical testing. Allele origin: germline.